The following is an entry in ClinVar:

NM_001122955.4(BSCL2):c.946T>C (p.Phe316Leu)

Genes: HNRNPUL2-BSCL2 (HNRNPUL2-BSCL2 readthrough (NMD candidate); minus strand), BSCL2 (BSCL2 lipid droplet biogenesis associated, seipin; minus strand). Cytogenetic location: 11q12.3.
Variant type: single nucleotide variant.
Coding change: c.946T>C on transcript NM_001122955.4 (MANE Select); coding-DNA position 946, T replaced by C.
Protein change: p.Phe316Leu; replaces phenylalanine 316 with leucine.
Molecular consequence: missense variant. On other transcripts: non-coding transcript variant (1), intron variant (1).
Genome position (GRCh38, 1-based): chr11:62,691,339, A>G on the plus strand (T>C on the coding strand, the complement: BSCL2 is on the minus strand). VCF-style: chr11-62691339-A-G. GRCh37 (hg19) VCF-style: chr11-62458811-A-G.
Other names: c.946T>C, p.Phe316Leu (NM_001386027.1, NM_001386028.1); c.754T>C, p.Phe252Leu (NM_032667.6); c.672-198T>C (NM_001130702.2); short protein forms F252L, F316L.
Identifiers: ClinVar variation 3657634 (VCV003657634.3).
Genomic context (GRCh38, chr11:62,691,339, plus strand): 5'-CCTGCAAAGAGAAGCGGTGTCGGGGCCAGATGCCCCCCCACACCCACTGCATGTAGCTGA[A>G]GAGCACGATGACGCTGAGGAAGGTGAAGTTGCTGGCAACACCTATGAAGGCGCAGGTCAT-3'
Protein context (NP_001116427.1, residues 306-326): NFTFLSVIVL[Phe316Leu]SYMQWVWGGI

ClinVar aggregate classification (germline): Uncertain significance. Review status: criteria provided, multiple submitters, no conflicts (2 of 4 stars). 2 submissions from 2 submitters: Uncertain significance (2). Last evaluated 2025-12-30.

Conditions:
Charcot-Marie-Tooth disease type 2. Also called: Charcot-Marie-Tooth type 2. Identifiers: Orphanet 64746, MedGen C0270914, MONDO:0018993.
Inborn genetic diseases. Identifiers: MedGen C0950123, MeSH D030342.

gnomAD v4.1: 1 of 1,614,208 alleles (0.000062%); highest among the groups gnomAD compares: Non-Finnish European, 0.000085%; no homozygotes.

Submissions (2):

Ambry Genetics
Classification: Uncertain significance for Inborn genetic diseases. Last evaluated: 2025-12-30. Review status: criteria provided, single submitter. Criteria: Ambry Variant Classification Scheme 2023. Collection method: clinical testing. Allele origin: germline.

Labcorp Genetics (formerly Invitae), Labcorp
Classification: Uncertain significance for Charcot-Marie-Tooth disease type 2. Last evaluated: 2024-06-24. Review status: criteria provided, single submitter. Criteria: Invitae Variant Classification Sherloc (09022015). Collection method: clinical testing. Allele origin: germline.
Comment: This sequence change replaces phenylalanine, which is neutral and non-polar, with leucine, which is neutral and non-polar, at codon 252 of the BSCL2 protein (p.Phe252Leu). This variant is not present in population databases (gnomAD no frequency). This variant has not been reported in the literature in individuals affected with BSCL2-related conditions. Advanced modeling of protein sequence and biophysical properties (such as structural, functional, and spatial information, amino acid conservation, physicochemical variation, residue mobility, and thermodynamic stability) performed at Invitae indicates that this missense variant is not expected to disrupt BSCL2 protein function with a negative predictive value of 80%. In summary, the available evidence is currently insufficient to determine the role of this variant in disease. Therefore, it has been classified as a Variant of Uncertain Significance.